The following is an entry in ClinVar:

NM_000264.5(PTCH1):c.3704G>A (p.Ser1235Asn)

Gene: PTCH1 (patched 1; minus strand). Cytogenetic location: 9q22.32.
Variant type: single nucleotide variant.
Coding change: c.3704G>A on transcript NM_000264.5 (MANE Select); coding-DNA position 3704, G replaced by A.
Protein change: p.Ser1235Asn; replaces serine 1235 with asparagine.
Molecular consequence: missense variant. On other transcripts: non-coding transcript variant (1).
Genome position (GRCh38, 1-based): chr9:95,449,169, C>T on the plus strand (G>A on the coding strand, the complement: PTCH1 is on the minus strand). VCF-style: chr9-95449169-C-T. GRCh37 (hg19) VCF-style: chr9-98211451-C-T.
Other names: c.3506G>A, p.Ser1169Asn (NM_001083602.3); c.3701G>A, p.Ser1234Asn (NM_001083603.3); c.3251G>A, p.Ser1084Asn (NM_001083604.3, NM_001083605.3, NM_001083606.3 and 1 more transcripts); c.3548G>A, p.Ser1183Asn (NM_001354918.2); short protein forms S1084N, S1234N, S1183N, S1235N, S1169N.
Identifiers: ClinVar variation 3635835 (VCV003635835.2).

ClinVar aggregate classification (germline): Uncertain significance (1 of 4 stars; one submission).

Conditions:
Gorlin syndrome. Also called: Nevoid Basal Cell Carcinoma Syndrome; Basal cell nevus syndrome. Identifiers: Orphanet 377, MedGen C0004779, MONDO:0007187.

gnomAD v4.1: 1 of 1,613,064 alleles (0.000062%); highest among the groups gnomAD compares: Non-Finnish European, 0.000085%; no homozygotes.

Submission:

Labcorp Genetics (formerly Invitae), Labcorp
Classification: Uncertain significance for Gorlin syndrome. Last evaluated: 2024-04-10. Review status: criteria provided, single submitter. Criteria: Invitae Variant Classification Sherloc (09022015). Collection method: clinical testing. Allele origin: germline.
Comment: This sequence change replaces serine, which is neutral and polar, with asparagine, which is neutral and polar, at codon 1235 of the PTCH1 protein (p.Ser1235Asn). This variant is not present in population databases (gnomAD no frequency). This variant has not been reported in the literature in individuals affected with PTCH1-related conditions. Advanced modeling of protein sequence and biophysical properties (such as structural, functional, and spatial information, amino acid conservation, physicochemical variation, residue mobility, and thermodynamic stability) performed at Invitae indicates that this missense variant is not expected to disrupt PTCH1 protein function with a negative predictive value of 95%. In summary, the available evidence is currently insufficient to determine the role of this variant in disease. Therefore, it has been classified as a Variant of Uncertain Significance.